The following is an entry in ClinVar:

ClinVar aggregate classification (germline): Likely benign (0 of 4 stars; one submission).

Conditions:
NRP1-related disorder. Also called: NRP1-related condition.

Submission:

PreventionGenetics, part of Exact Sciences
Classification: Likely benign for NRP1-related condition. Last evaluated: 2023-08-07. Review status: no assertion criteria provided. Collection method: clinical testing. Allele origin: germline.
Comment: This variant is classified as likely benign based on ACMG/AMP sequence variant interpretation guidelines (Richards et al. 2015 PMID: 25741868, with internal and published modifications).

NM_003873.7(NRP1):c.2688G>A (p.Leu896=)

Gene: NRP1 (neuropilin 1; minus strand). Cytogenetic location: 10p11.22.
Variant type: single nucleotide variant.
Coding change: c.2688G>A on transcript NM_003873.7 (MANE Select); coding-DNA position 2688, G replaced by A.
Protein change: p.Leu896=; no amino-acid change (leucine 896 retained).
Molecular consequence: synonymous variant. On other transcripts: non-coding transcript variant (1).
Genome position (GRCh38, 1-based): chr10:33,180,160, C>T on the plus strand (G>A on the coding strand, the complement: NRP1 is on the minus strand). VCF-style: chr10-33180160-C-T. GRCh37 (hg19) VCF-style: chr10-33469088-C-T.
Other names: c.2670G>A, p.Leu890= (NM_001244972.2); c.2667G>A, p.Leu889= (NM_001244973.2); c.2637G>A, p.Leu879= (NM_001330068.2).
Identifiers: ClinVar variation 3348303 (VCV003348303.1).